The following is an entry in ClinVar:

NM_138967.4(SCAMP5):c.603G>C (p.Gln201His)

Gene: SCAMP5 (secretory carrier membrane protein 5; plus strand). Cytogenetic location: 15q24.2.
Variant type: single nucleotide variant.
Coding change: c.603G>C on transcript NM_138967.4 (MANE Select); coding-DNA position 603, G replaced by C.
Protein change: p.Gln201His; replaces glutamine 201 with histidine.
Molecular consequence: missense variant. On other transcripts: non-coding transcript variant (1).
Genome position (GRCh38, 1-based): chr15:75,018,878, G>C. VCF-style: chr15-75018878-G-C. GRCh37 (hg19) VCF-style: chr15-75311219-G-C.
Other names: c.603G>C, p.Gln201His (NM_001178111.2, NM_001178112.2); short protein forms Q201H.
Identifiers: ClinVar variation 4976009 (VCV004976009.1).

ClinVar aggregate classification (germline): Uncertain significance (1 of 4 stars; one submission).

Submission:

GeneDx
Classification: Uncertain significance. Last evaluated: 2026-02-04. Review status: criteria provided, single submitter. Criteria: GeneDx Variant Classification Process June 2021. Collection method: clinical testing. Allele origin: germline.
Comment: Not observed at significant frequency in large population cohorts (gnomAD); In silico analysis supports that this missense variant has a deleterious effect on protein structure/function; Has not been previously published as pathogenic or benign to our knowledge